The following is an entry in ClinVar:

NM_020631.6(PLEKHG5):c.591+28G>C

Gene: PLEKHG5 (pleckstrin homology and RhoGEF domain containing G5; minus strand). Cytogenetic location: 1p36.31.
Variant type: single nucleotide variant.
Coding change: c.591+28G>C on transcript NM_020631.6 (MANE Select); 28 bases into the intron after coding-DNA position 591, G replaced by C.
Molecular consequence: intron variant.
Genome position (GRCh38, 1-based): chr1:6,473,985, C>G on the plus strand (G>C on the coding strand, the complement: PLEKHG5 is on the minus strand). VCF-style: chr1-6473985-C-G. GRCh37 (hg19) VCF-style: chr1-6534045-C-G.
Other names: c.591+28G>C (NM_198681.4, NM_001265594.3, NM_001042664.2 and 1 more transcripts); c.702+28G>C (NM_001042663.3, NM_001265592.2); c.798+28G>C (NM_001265593.2).
Identifiers: ClinVar variation 676085 (VCV000676085.1), dbSNP rs76386795, ClinGen allele CA561792.

ClinVar aggregate classification (germline): Benign (1 of 4 stars; one submission).

Allele frequency attached by ClinVar (database versions not stated): ESP Exome Variant Server 0.01546; 1000 Genomes Project 30x 0.02139; TOPMed 0.01696; 1000 Genomes Project 0.01937.
gnomAD v4.1: 4,382 of 1,425,272 alleles (0.31%); highest among the groups gnomAD compares: African/African-American, 5.2%; 94 homozygotes.

Submission:

GeneDx
Classification: Benign. Last evaluated: 2018-06-16. Review status: criteria provided, single submitter. Criteria: GeneDx Variant Classification (06012015). Collection method: clinical testing. Allele origin: germline. Affected: yes.
Comment: This variant is considered likely benign or benign based on one or more of the following criteria: it is a conservative change, it occurs at a poorly conserved position in the protein, it is predicted to be benign by multiple in silico algorithms, and/or has population frequency not consistent with disease.